The following is an entry in ClinVar:

ClinVar aggregate classification (germline): Likely benign. Review status: criteria provided, multiple submitters, no conflicts (2 of 4 stars). 4 submissions from 4 submitters: Likely benign (4). Last evaluated 2026-04-01.

Conditions:
Alzheimer disease 4 (AD4). Identifiers: Orphanet 1020, MedGen C1847200, MONDO:0011743, OMIM 606889.

Allele frequency attached by ClinVar (database versions not stated): gnomAD exomes 0.00005 and 0.00010; ESP Exome Variant Server 0.00008; ExAC 0.00009; TOPMed 0.00012; gnomAD 0.00013; 1000 Genomes Project 30x 0.00016; 1000 Genomes Project 0.00020.
gnomAD v4.1: 97 of 1,614,106 alleles (0.006%); highest among the groups gnomAD compares: Middle Eastern, 0.066%; no homozygotes.

Submissions (4):

CeGaT Center for Human Genetics Tuebingen
Classification: Likely benign. Last evaluated: 2026-04-01. Review status: criteria provided, single submitter. Criteria: CeGaT Center For Human Genetics Tuebingen Variant Classification Criteria Version 2. Collection method: clinical testing. Allele origin: germline. Affected: yes. Observed: 1 variant allele.
Comment: PSEN2: BP4, BP7

Labcorp Genetics (formerly Invitae), Labcorp
Classification: Likely benign for Alzheimer disease 4. Last evaluated: 2025-07-05. Review status: criteria provided, single submitter. Criteria: Invitae Variant Classification Sherloc (09022015). Collection method: clinical testing. Allele origin: germline.

Women's Health and Genetics/Laboratory Corporation of America, LabCorp
Classification: Likely benign. Last evaluated: 2024-09-23. Review status: criteria provided, single submitter. Criteria: LabCorp Variant Classification Summary - May 2015. Collection method: clinical testing. Allele origin: germline.

Breakthrough Genomics
Classification: Likely benign. Review status: criteria provided, single submitter. Criteria: ACMG Guidelines, 2015. Collection method: not provided. Allele origin: germline. Inheritance: Autosomal dominant inheritance. Affected: yes.

NM_000447.3(PSEN2):c.207C>T (p.Pro69=)

Gene: PSEN2 (presenilin 2; plus strand). Cytogenetic location: 1q42.13.
Variant type: single nucleotide variant.
Coding change: c.207C>T on transcript NM_000447.3 (MANE Select); coding-DNA position 207, C replaced by T.
Protein change: p.Pro69=; no amino-acid change (proline 69 retained).
Molecular consequence: synonymous variant.
Genome position (GRCh38, 1-based): chr1:226,883,770, C>T. VCF-style: chr1-226883770-C-T. GRCh37 (hg19) VCF-style: chr1-227071471-C-T.
Other names: c.207C>T, p.Pro69= (NM_012486.3).
Identifiers: ClinVar variation 772702 (VCV000772702.15), dbSNP rs142546082, ClinGen allele CA1424441.